The following is an entry in ClinVar:

NM_001164586.2(IGFN1):c.5254G>C (p.Ala1752Pro)

Gene: IGFN1 (immunoglobulin like and fibronectin type III domain containing 1; plus strand). Cytogenetic location: 1q32.1.
Variant type: single nucleotide variant.
Coding change: c.5254G>C on transcript NM_001164586.2 (MANE Select); coding-DNA position 5254, G replaced by C.
Protein change: p.Ala1752Pro; replaces alanine 1752 with proline.
Molecular consequence: missense variant. On other transcripts: intron variant (1).
Genome position (GRCh38, 1-based): chr1:201,210,147, G>C. VCF-style: chr1-201210147-G-C. GRCh37 (hg19) VCF-style: chr1-201179275-G-C.
Other names: c.1242-3359G>C (NM_001367841.1); short protein forms A1752P.
Identifiers: ClinVar variation 2373743 (VCV002373743.26), dbSNP rs61818162, ClinGen allele CA1322604.

ClinVar aggregate classification (germline): Conflicting classifications of pathogenicity. Review status: criteria provided, conflicting classifications (1 of 4 stars). 2 submissions from 2 submitters: Uncertain significance (1); Likely benign (1). Last evaluated 2023-02-01.

Allele frequency attached by ClinVar (database versions not stated): 1000 Genomes Project 0.00020; ExAC 0.00024; gnomAD 0.00093.

Submissions (2):

CeGaT Center for Human Genetics Tuebingen
Classification: Likely benign. Last evaluated: 2023-02-01. Review status: criteria provided, single submitter. Criteria: CeGaT Center For Human Genetics Tuebingen Variant Classification Criteria Version 2. Collection method: clinical testing. Allele origin: germline. Affected: yes. Observed: 2 variant alleles.
Comment: IGFN1: BP4

Ambry Genetics
Classification: Uncertain significance. Last evaluated: 2022-01-10. Review status: criteria provided, single submitter. Criteria: Ambry Variant Classification Scheme 2023. Collection method: clinical testing. Allele origin: germline.